The following is an entry in ClinVar:

NM_003105.6(SORL1):c.3620G>A (p.Arg1207Gln)

Gene: SORL1 (sortilin related receptor 1; plus strand). Cytogenetic location: 11q24.1.
Variant type: single nucleotide variant.
Coding change: c.3620G>A on transcript NM_003105.6 (MANE Select); coding-DNA position 3620, G replaced by A.
Protein change: p.Arg1207Gln; replaces arginine 1207 with glutamine.
Molecular consequence: missense variant.
Genome position (GRCh38, 1-based): chr11:121,583,497, G>A. VCF-style: chr11-121583497-G-A. GRCh37 (hg19) VCF-style: chr11-121454206-G-A.
Other names: c.3620G>A (NM_003105.5); short protein forms R1207Q.
Identifiers: ClinVar variation 1168424 (VCV001168424.16), dbSNP rs114830255, ClinGen allele CA6329334.

ClinVar aggregate classification (germline): Benign/Likely benign. Review status: criteria provided, multiple submitters, no conflicts (2 of 4 stars). 4 submissions from 4 submitters: Benign (3); Likely benign (1). Last evaluated 2026-07-06.

Conditions:
SORL1-related disorder. Also called: SORL1-related condition.

Allele frequency attached by ClinVar (database versions not stated): gnomAD exomes 0.00063 and 0.00107; ExAC 0.00125; gnomAD 0.00398 and 0.00424; TOPMed 0.00425; 1000 Genomes Project 30x 0.00437; 1000 Genomes Project 0.00479; ESP Exome Variant Server 0.00492.
gnomAD v4.1: 1,533 of 1,612,634 alleles (0.095%); highest among the groups gnomAD compares: African/African-American, 1.5%; 15 homozygotes.

Submissions (4):

PreventionGenetics, part of Exact Sciences
Classification: Likely benign for SORL1-related condition. Last evaluated: 2026-07-06. Review status: criteria provided, single submitter. Criteria: ACMG Guidelines, 2015. Collection method: clinical testing. Allele origin: germline.
Comment: This variant is classified as likely benign based on ACMG/AMP sequence variant interpretation guidelines (Richards et al. 2015 PMID: 25741868, with internal and published modifications).

Labcorp Genetics (formerly Invitae), Labcorp
Classification: Benign. Last evaluated: 2026-01-25. Review status: criteria provided, single submitter. Criteria: Invitae Variant Classification Sherloc (09022015). Collection method: clinical testing. Allele origin: germline.

CeGaT Center for Human Genetics Tuebingen
Classification: Benign. Last evaluated: 2025-12-01. Review status: criteria provided, single submitter. Criteria: CeGaT Center For Human Genetics Tuebingen Variant Classification Criteria Version 2. Collection method: clinical testing. Allele origin: germline. Affected: yes. Observed: 1 variant allele.
Comment: SORL1: BP4, BS1, BS2

Breakthrough Genomics
Classification: Benign. Review status: criteria provided, single submitter. Criteria: ACMG Guidelines, 2015. Collection method: not provided. Allele origin: germline. Inheritance: Unknown mechanism. Affected: yes.